The following is an entry in ClinVar:

NM_017671.4(FERMT1):c.-655C>T

Gene: FERMT1 (FERM domain containing kindlin 1; minus strand). Cytogenetic location: 20p12.3.
Variant type: single nucleotide variant.
Coding change: c.-655C>T on transcript NM_017671.4; 655 bases upstream of the start codon, C replaced by T.
Genome position (GRCh38, 1-based): chr20:6,123,410, G>A on the plus strand (C>T on the coding strand, the complement: FERMT1 is on the minus strand). VCF-style: chr20-6123410-G-A. GRCh37 (hg19) VCF-style: chr20-6104057-G-A.
Identifiers: ClinVar variation 339258 (VCV000339258.7), dbSNP rs188963072, ClinGen allele CA10644352.
Genomic context (GRCh38, chr20:6,123,410, plus strand): 5'-CATCACTCACACCCCGGGGTGCGTCCAGGCCCAGGAGACTCCAGCCTCCCGCCTAGAACA[G>A]CTGCCTCCCTCAGAAAGAGCCCCGGAGCACTTGTGGTCAGGGAGGTGAAGGCAACGACAA-3'

ClinVar aggregate classification (germline): Likely benign (1 of 4 stars; one submission).

Conditions:
Kindler syndrome (KNDLRS). Also called: Poikiloderma of Kindler; Congenital bullous poikiloderma; POIKILODERMA, CONGENITAL, WITH BULLAE, WEARY TYPE; POIKILODERMA, HEREDITARY ACROKERATOTIC; BULLOUS ACROKERATOTIC POIKILODERMA OF KINDLER AND WEARY; Kindler's syndrome. Identifiers: Orphanet 2908, Orphanet 306539, MedGen C0406557, MONDO:0008260, OMIM 173650.

Allele frequency attached by ClinVar (database versions not stated): 1000 Genomes Project 30x 0.00344; 1000 Genomes Project 0.00339; gnomAD exomes 0.00510; gnomAD 0.01032 and 0.00986; TOPMed 0.00743.

Submission:

Illumina Laboratory Services, Illumina
Classification: Likely benign for Kindler syndrome. Last evaluated: 2018-01-12. Review status: criteria provided, single submitter. Criteria: ICSL Variant Classification Criteria 13 December 2019. Collection method: clinical testing. Allele origin: germline.
Comment: This variant was observed in the ICSL laboratory as part of a predisposition screen in an ostensibly healthy population. It had not been previously curated by ICSL or reported in the Human Gene Mutation Database (HGMD: prior to June 1st, 2018), and was therefore a candidate for classification through an automated scoring system. Utilizing variant allele frequency, disease prevalence and penetrance estimates, and inheritance mode, an automated score was calculated to assess if this variant is too frequent to cause the disease. Based on the score and internal cut-off values, a variant classified as likely benign is not then subjected to further curation. The score for this variant resulted in a classification of likely benign for this disease.